The following is an entry in ClinVar:

ClinVar aggregate classification (germline): Uncertain significance (1 of 4 stars; one submission).

Allele frequency attached by ClinVar (database versions not stated): ESP Exome Variant Server 0.00008.

Submission:

Labcorp Genetics (formerly Invitae), Labcorp
Classification: Uncertain significance. Last evaluated: 2022-08-16. Review status: criteria provided, single submitter. Criteria: Invitae Variant Classification Sherloc (09022015). Collection method: clinical testing. Allele origin: germline.
Comment: In summary, the available evidence is currently insufficient to determine the role of this variant in disease. Therefore, it has been classified as a Variant of Uncertain Significance. Algorithms developed to predict the effect of missense changes on protein structure and function (SIFT, PolyPhen-2, Align-GVGD) all suggest that this variant is likely to be disruptive. ClinVar contains an entry for this variant (Variation ID: 1518086). This variant has not been reported in the literature in individuals affected with SH3PXD2B-related conditions. This variant is present in population databases (rs372034716, gnomAD 0.0009%). This sequence change replaces proline, which is neutral and non-polar, with serine, which is neutral and polar, at codon 806 of the SH3PXD2B protein (p.Pro806Ser).

NM_001017995.3(SH3PXD2B):c.2416C>T (p.Pro806Ser)

Gene: SH3PXD2B (SH3 and PX domains 2B; minus strand). Cytogenetic location: 5q35.1.
Variant type: single nucleotide variant.
Coding change: c.2416C>T on transcript NM_001017995.3 (MANE Select); coding-DNA position 2416, C replaced by T.
Protein change: p.Pro806Ser; replaces proline 806 with serine.
Molecular consequence: missense variant. On other transcripts: intron variant (1).
Genome position (GRCh38, 1-based): chr5:172,338,689, G>A on the plus strand (C>T on the coding strand, the complement: SH3PXD2B is on the minus strand). VCF-style: chr5-172338689-G-A. GRCh37 (hg19) VCF-style: chr5-171765693-G-A.
Other names: c.1188+7447C>T (NM_001308175.2); short protein forms P806S.
Identifiers: ClinVar variation 1518086 (VCV001518086.6), dbSNP rs372034716, ClinGen allele CA3560973.